The following is an entry in ClinVar:

ClinVar aggregate classification (germline): Benign. Review status: criteria provided, multiple submitters, no conflicts (2 of 4 stars). 14 submissions from 14 submitters: Benign (11). 3 of the submissions do not count toward it. Last evaluated 2026-04-17.

Conditions:
Hereditary cancer-predisposing syndrome. Also called: Hereditary neoplastic syndrome; Neoplastic Syndromes, Hereditary; Hereditary Cancer Syndrome; Tumor predisposition. Identifiers: Orphanet 140162, MedGen C0027672, MeSH D009386, MONDO:0015356.
DICER1-related tumor predisposition. Also called: DICER1-related pleuropulmonary blastoma cancer predisposition syndrome; DICER1 syndrome. Identifiers: Orphanet 284343, MedGen C3839822, MONDO:0100216.
Pleuropulmonary blastoma (PPB). Identifiers: Orphanet 64742, MedGen C1266144, MONDO:0011014, OMIM 601200, HP:0100528.

Allele frequency attached by ClinVar (database versions not stated): ExAC 0.01088; gnomAD 0.03377 and 0.03643; 1000 Genomes Project 30x 0.03623; TOPMed 0.03804; 1000 Genomes Project 0.03494; gnomAD exomes 0.00890; ESP Exome Variant Server 0.03906.
gnomAD v4.1: 10,122 of 1,614,094 alleles (0.63%); highest among the groups gnomAD compares: African/African-American, 12%; 594 homozygotes.

Submissions (14):

Myriad Genetics, Inc.
Classification: Benign for DICER1-related tumor predisposition. Last evaluated: 2026-04-17. Review status: criteria provided, single submitter. Criteria: Myriad Autosomal Dominant, Autosomal Recessive and X-Linked Classification Criteria (2023). Collection method: clinical testing. Allele origin: unknown.
Comment: This variant is considered benign. This variant is a silent/synonymous amino acid change and it is not expected to impact splicing.

Labcorp Genetics (formerly Invitae), Labcorp
Classification: Benign for DICER1-related tumor predisposition. Last evaluated: 2026-02-04. Review status: criteria provided, single submitter. Criteria: Invitae Variant Classification Sherloc (09022015). Collection method: clinical testing. Allele origin: germline.

Quest Diagnostics Nichols Institute San Juan Capistrano
Classification: Benign. Last evaluated: 2025-06-12. Review status: criteria provided, single submitter. Criteria: Quest Diagnostics criteria. Collection method: clinical testing. Allele origin: unknown.

Center for Genomic Medicine, Rigshospitalet, Copenhagen University Hospital
Classification: Benign. Last evaluated: 2025-03-04. Review status: criteria provided, single submitter. Criteria: ACMG Guidelines, 2015. Collection method: clinical testing. Allele origin: germline.

KCCC/NGS Laboratory, Kuwait Cancer Control Center
Classification: Benign for Pleuropulmonary blastoma. Last evaluated: 2023-07-07. Review status: criteria provided, single submitter. Criteria: ACMG Guidelines, 2015. Collection method: clinical testing. Allele origin: germline. Affected: yes.

Mayo Clinic Laboratories, Mayo Clinic
Classification: Benign. Last evaluated: 2021-05-06. Review status: criteria provided, single submitter. Criteria: ACMG Guidelines, 2015. Collection method: clinical testing. Allele origin: germline. Observed: 12 variant alleles.

Illumina Laboratory Services, Illumina
Classification: Benign for Pleuropulmonary blastoma. Last evaluated: 2018-01-13. Review status: criteria provided, single submitter. Criteria: ICSL Variant Classification Criteria 13 December 2019. Collection method: clinical testing. Allele origin: germline.
Comment: This variant was observed in the ICSL laboratory as part of a predisposition screen in an ostensibly healthy population. It had not been previously curated by ICSL or reported in the Human Gene Mutation Database (HGMD: prior to June 1st, 2018), and was therefore a candidate for classification through an automated scoring system. Utilizing variant allele frequency, disease prevalence and penetrance estimates, and inheritance mode, an automated score was calculated to assess if this variant is too frequent to cause the disease. Based on the score and internal cut-off values, a variant classified as benign is not then subjected to further curation. The score for this variant resulted in a classification of benign for this disease.

PreventionGenetics, part of Exact Sciences
Classification: Benign. Last evaluated: 2017-02-13. Review status: criteria provided, single submitter. Criteria: ACMG Guidelines, 2015. Collection method: clinical testing. Allele origin: germline.

GeneDx
Classification: Benign. Last evaluated: 2016-06-16. Review status: criteria provided, single submitter. Criteria: GeneDx Variant Classification (06012015). Collection method: clinical testing. Allele origin: germline. Affected: yes.
Comment: This variant is considered likely benign or benign based on one or more of the following criteria: it is a conservative change, it occurs at a poorly conserved position in the protein, it is predicted to be benign by multiple in silico algorithms, and/or has population frequency not consistent with disease.

Ambry Genetics
Classification: Benign for Hereditary cancer-predisposing syndrome. Last evaluated: 2016-05-25. Review status: criteria provided, single submitter. Criteria: Ambry Variant Classification Scheme 2023. Collection method: clinical testing. Allele origin: germline.

Breakthrough Genomics
Classification: Benign. Review status: criteria provided, single submitter. Criteria: ACMG Guidelines, 2015. Collection method: not provided. Allele origin: germline. Inheritance: Autosomal dominant inheritance. Affected: yes.

Clinical Genetics DNA and cytogenetics Diagnostics Lab, Erasmus MC, Erasmus Medical Center
Classification: Benign. Review status: no assertion criteria provided. Collection method: clinical testing. Allele origin: germline. Affected: yes. Study: VKGL Data-share Consensus. Not counted in ClinVar's aggregate classification.

Genome Diagnostics Laboratory, Amsterdam University Medical Center
Classification: Benign. Review status: no assertion criteria provided. Collection method: clinical testing. Allele origin: germline. Affected: yes. Study: VKGL Data-share Consensus. Not counted in ClinVar's aggregate classification.

Joint Genome Diagnostic Labs from Nijmegen and Maastricht, Radboudumc and MUMC+
Classification: Benign. Review status: no assertion criteria provided. Collection method: clinical testing. Allele origin: germline. Affected: yes. Study: VKGL Data-share Consensus. Not counted in ClinVar's aggregate classification.

NM_177438.3(DICER1):c.3033G>A (p.Ala1011=)

Gene: DICER1 (dicer 1, ribonuclease III; minus strand). Cytogenetic location: 14q32.13.
Variant type: single nucleotide variant.
Coding change: c.3033G>A on transcript NM_177438.3 (MANE Select); coding-DNA position 3033, G replaced by A.
Protein change: p.Ala1011=; no amino-acid change (alanine 1011 retained).
Molecular consequence: synonymous variant.
Genome position (GRCh38, 1-based): chr14:95,105,738, C>T on the plus strand (G>A on the coding strand, the complement: DICER1 is on the minus strand). VCF-style: chr14-95105738-C-T. GRCh37 (hg19) VCF-style: chr14-95572075-C-T.
Other names: p.Ala1011=; c.3033G>A, p.Ala1011= (NM_001195573.1, NM_001271282.3, NM_001291628.2 and 1 more transcripts).
Identifiers: ClinVar variation 261921 (VCV000261921.38), dbSNP rs8019857, ClinGen allele CA7331128.